The following is an entry in ClinVar:

ClinVar aggregate classification (germline): Uncertain significance (1 of 4 stars; one submission).

Conditions:
Pontocerebellar hypoplasia type 6 (PCH6). Identifiers: Orphanet 166073, MedGen C1969084, MONDO:0012683, OMIM 611523.

gnomAD v4.1: 1 of 1,612,400 alleles (0.000062%); highest among the groups gnomAD compares: Non-Finnish European, 0.000085%; no homozygotes.

Submission:

Laboratorio de Genetica e Diagnostico Molecular, Hospital Israelita Albert Einstein
Classification: Uncertain significance for Pontocerebellar hypoplasia type 6. Last evaluated: 2026-02-20. Review status: criteria provided, single submitter. Criteria: ACMG Guidelines, 2015. Collection method: clinical testing. Allele origin: germline. Affected: yes.
Comment: ACMG classification criteria: PM2 supporting, PP3 supporting

NM_020320.5(RARS2):c.605T>G (p.Leu202Arg)

Gene: RARS2 (arginyl-tRNA synthetase 2, mitochondrial; minus strand). Cytogenetic location: 6q15.
Variant type: single nucleotide variant.
Coding change: c.605T>G on transcript NM_020320.5 (MANE Select); coding-DNA position 605, T replaced by G.
Protein change: p.Leu202Arg; replaces leucine 202 with arginine.
Molecular consequence: missense variant. On other transcripts: non-coding transcript variant (18).
Genome position (GRCh38, 1-based): chr6:87,541,925, A>C on the plus strand (T>G on the coding strand, the complement: RARS2 is on the minus strand). VCF-style: chr6-87541925-A-C. GRCh37 (hg19) VCF-style: chr6-88251643-A-C.
Other names: c.80T>G, p.Leu27Arg (NM_001318785.2, NM_001350506.2, NM_001350507.2 and 4 more transcripts); c.605T>G, p.Leu202Arg (NM_001350505.2); short protein forms L202R, L27R.
Identifiers: ClinVar variation 4846920 (VCV004846920.1).